The following is an entry in ClinVar:

NM_006231.4(POLE):c.1601T>A (p.Leu534Gln)

Gene: POLE (DNA polymerase epsilon, catalytic subunit; minus strand). Cytogenetic location: 12q24.33.
Variant type: single nucleotide variant.
Coding change: c.1601T>A on transcript NM_006231.4 (MANE Select); coding-DNA position 1601, T replaced by A.
Protein change: p.Leu534Gln; replaces leucine 534 with glutamine.
Molecular consequence: missense variant.
Genome position (GRCh38, 1-based): chr12:132,672,712, A>T on the plus strand (T>A on the coding strand, the complement: POLE is on the minus strand). VCF-style: chr12-132672712-A-T. GRCh37 (hg19) VCF-style: chr12-133249298-A-T.
Other names: short protein forms L534Q.
Identifiers: ClinVar variation 1002155 (VCV001002155.8), dbSNP rs1181787446, ClinGen allele CA387356836.

ClinVar aggregate classification (germline): Uncertain significance (1 of 4 stars; one submission).

gnomAD v4.1: 1 of 1,614,192 alleles (0.000062%); highest among the groups gnomAD compares: Admixed American, 0.0017%; no homozygotes.

Submission:

Labcorp Genetics (formerly Invitae), Labcorp
Classification: Uncertain significance. Last evaluated: 2020-04-21. Review status: criteria provided, single submitter. Criteria: Invitae Variant Classification Sherloc (09022015). Collection method: clinical testing. Allele origin: germline.
Comment: In summary, the available evidence is currently insufficient to determine the role of this variant in disease. Therefore, it has been classified as a Variant of Uncertain Significance. Algorithms developed to predict the effect of missense changes on protein structure and function (SIFT, PolyPhen-2, Align-GVGD) all suggest that this variant is likely to be disruptive, but these predictions have not been confirmed by published functional studies and their clinical significance is uncertain. This variant has not been reported in the literature in individuals with POLE-related conditions. This variant is not present in population databases (ExAC no frequency). This sequence change replaces leucine with glutamine at codon 534 of the POLE protein (p.Leu534Gln). The leucine residue is highly conserved and there is a moderate physicochemical difference between leucine and glutamine.